The following is an entry in ClinVar:

ClinVar aggregate classification (germline): Pathogenic/Likely pathogenic. Review status: criteria provided, multiple submitters, no conflicts (2 of 4 stars). 3 submissions from 3 submitters: Pathogenic (2); Likely pathogenic (1). Last evaluated 2025-11-28.

Conditions:
Cystic fibrosis (CF). Also called: MUCOVISCIDOSIS. Identifiers: Orphanet 586, MedGen C0010674, MONDO:0009061, OMIM 219700. Disease mechanism: loss of function.
CFTR-related disorder (CFTR-RD). Also called: CFTR-related disorders; CFTR-related condition. Identifiers: MedGen C5924204, MONDO:7770004.

Submissions (3):

Natera, Inc.
Classification: Likely pathogenic for CFTR-related disorders. Last evaluated: 2025-11-28. Review status: criteria provided, single submitter. Criteria: Natera Variant Classification Schema (03/2026). Collection method: clinical testing. Allele origin: germline.
Comment: The c.1687T>C variant in CFTR is a missense variant predicted to cause substitution of tyrosine to histidine at amino acid 563. This variant is rare in the general population with a frequency below the threshold expected for the associated phenotype(s). This variant has been observed in one or more individuals affected with the associated recessive disease, as either homozygous or compound heterozygous with a second variant (PMID: 23276700, 36739240). Functional studies show that this variant may disrupt protein function (PMID: 38388235). A different variant at the same position has been determined to be Pathogenic or Likely Pathogenic. Computational prediction algorithms indicate this variant is likely to affect gene or protein function. Given the available evidence, this variant is classified as Likely Pathogenic.

Women's Health and Genetics/Laboratory Corporation of America, LabCorp
Classification: Pathogenic for Cystic fibrosis. Last evaluated: 2024-08-12. Review status: criteria provided, single submitter. Criteria: LabCorp Variant Classification Summary - May 2015. Collection method: clinical testing. Allele origin: germline.
Comment: Variant summary: CFTR c.1687T>C (p.Tyr563His) results in a conservative amino acid change located in the ABC transporter-like, ATP-binding domain (IPR003439) of the encoded protein sequence. Four of five in-silico tools predict a damaging effect of the variant on protein function. The variant was absent in 250432 control chromosomes. c.1687T>C has been reported in the literature in individuals affected with Cystic Fibrosis without reported second variant (e.g. Krenkova_2013, daSilvaFilho_2021). These reports do not provide unequivocal conclusions about association of the variant with Cystic Fibrosis. A different variant affecting the same codon has been classified as pathogenic by our lab (c.1687T>A, p.Tyr563Asn), supporting the critical relevance of codon 563 to CFTR protein function. At least one publication reports experimental evidence evaluating an impact on protein function. The most pronounced variant effect resulted in approximately 2% of normal chloride channel conductance relative to wild type (e.g., Bihler_2024). The following publications have been ascertained in the context of this evaluation (PMID: 38388235, 23276700, 32819855). ClinVar contains an entry for this variant (Variation ID: 618927). Based on the evidence outlined above, the variant was classified as pathogenic.

Mendelics
Classification: Pathogenic for Cystic fibrosis. Last evaluated: 2018-11-05. Review status: criteria provided, single submitter. Criteria: Mendelics Assertion Criteria 2017. Collection method: clinical testing. Allele origin: unknown. Affected: yes.

Literature cited by the submitters: PubMed 23276700 (cited by Natera, Inc. and Women's Health and Genetics/Laboratory Corporation of America, LabCorp); PubMed 36739240 (cited by Natera, Inc.); PubMed 38388235 (cited by Natera, Inc. and Women's Health and Genetics/Laboratory Corporation of America, LabCorp); PubMed 32819855 (cited by Women's Health and Genetics/Laboratory Corporation of America, LabCorp).

NM_000492.4(CFTR):c.1687T>C (p.Tyr563His)

Gene: CFTR (CF transmembrane conductance regulator; plus strand). Cytogenetic location: 7q31.2.
Variant type: single nucleotide variant.
Coding change: c.1687T>C on transcript NM_000492.4 (MANE Select); coding-DNA position 1687, T replaced by C.
Protein change: p.Tyr563His; replaces tyrosine 563 with histidine.
Molecular consequence: missense variant.
Genome position (GRCh38, 1-based): chr7:117,590,360, T>C. VCF-style: chr7-117590360-T-C. GRCh37 (hg19) VCF-style: chr7-117230414-T-C.
Other names: c.1687T>C (NM_000492.3); short protein forms Y563H.
Identifiers: ClinVar variation 618927 (VCV000618927.4), dbSNP rs121909006, ClinGen allele CA368977018.